The following is an entry in ClinVar:

ClinVar aggregate classification (germline): Uncertain significance (1 of 4 stars; one submission).

Conditions:
Joubert syndrome 21 (JBTS21). Identifiers: MedGen C3810212, MONDO:0014288, OMIM 615636.

Submission:

Labcorp Genetics (formerly Invitae), Labcorp
Classification: Uncertain significance for Joubert syndrome 21. Last evaluated: 2022-06-03. Review status: criteria provided, single submitter. Criteria: Invitae Variant Classification Sherloc (09022015). Collection method: clinical testing. Allele origin: germline.
Comment: This variant results in a copy number gain of the genomic region encompassing exon(s) 1 of the CSPP1 gene. This region includes the initiator codon of the gene. This copy number gain extends beyond the assayed region for this gene and therefore may encompass additional genes. As the precise location of this event is unknown, it may be in tandem or it may be located elsewhere in the genome. This variant has not been reported in the literature in individuals affected with CSPP1-related conditions. In summary, the available evidence is currently insufficient to determine the role of this variant in disease. Therefore, it has been classified as a Variant of Uncertain Significance.

NC_000008.11:g.(?_67010715)_(67064496_?)dup

Genes: COPS5 (COP9 signalosome subunit 5; minus strand), CSPP1 (centrosome and spindle pole associated protein 1; plus strand), PPP1R42 (protein phosphatase 1 regulatory subunit 42; minus strand). Cytogenetic location: 8q13.1.
Variant type: Duplication.
Identifiers: ClinVar variation 833233 (VCV000833233.5).